The following is an entry in ClinVar:

NM_000138.5(FBN1):c.4233C>T (p.Asn1411=)

Genes: FBN1 (fibrillin 1; minus strand), LOC126862124 (CDK7 strongly-dependent group 2 enhancer GRCh37_chr15:48764566-48765765; plus strand). Cytogenetic location: 15q21.1.
Variant type: single nucleotide variant.
Coding change: c.4233C>T on transcript NM_000138.5 (MANE Select); coding-DNA position 4233, C replaced by T.
Protein change: p.Asn1411=; no amino-acid change (asparagine 1411 retained).
Molecular consequence: synonymous variant.
Genome position (GRCh38, 1-based): chr15:48,472,654, G>A on the plus strand (C>T on the coding strand, the complement: FBN1 is on the minus strand). VCF-style: chr15-48472654-G-A. GRCh37 (hg19) VCF-style: chr15-48764851-G-A.
Identifiers: ClinVar variation 42352 (VCV000042352.8), dbSNP rs183198761, ClinGen allele CA014876.
Genomic context (GRCh38, chr15:48,472,654, plus strand): 5'-GCATTCACAGCGGTATCCTCCTGGTGCATTGAGGCACTGGCCATTGCCACAGAGATTCAG[G>A]TTCTCAGAGCACTCATCAAGGTCTACAGCCAGAAAGAAACACACGTTACTCTTCCTCGGT-3'
Protein context (NP_000129.3, residues 1401-1421): TCTDLDECSE[Asn1411=]LNLCGNGQCL

ClinVar aggregate classification (germline): Likely benign. Review status: criteria provided, multiple submitters, no conflicts (2 of 4 stars). 4 submissions from 4 submitters: Likely benign (4). Last evaluated 2024-12-24.

Conditions:
Marfan syndrome (MFS). Also called: FBN1-Related Marfan Syndrome; Marfan syndrome, classic; MARFAN SYNDROME, TYPE I; Marfan syndrome type 1; Marfan's syndrome. Identifiers: Orphanet 284963, Orphanet 558, MedGen C0024796, MONDO:0007947, OMIM 154700.
Familial thoracic aortic aneurysm and aortic dissection (TAAD). Also called: Thoracic aortic aneurysms and dissections. Identifiers: Orphanet 91387, MedGen C4707243, MONDO:0019625.

Allele frequency attached by ClinVar (database versions not stated): ExAC 0.00002; gnomAD 0.00001; gnomAD exomes 0.00001 and below 0.00001; TOPMed 0.00003; 1000 Genomes Project 30x 0.00016; 1000 Genomes Project 0.00020.
gnomAD v4.1: 8 of 1,614,154 alleles (0.0005%); highest among the groups gnomAD compares: African/African-American, 0.0067%; no homozygotes.

Submissions (4):

Labcorp Genetics (formerly Invitae), Labcorp
Classification: Likely benign for Marfan syndrome; Familial thoracic aortic aneurysm and aortic dissection. Last evaluated: 2024-12-24. Review status: criteria provided, single submitter. Criteria: Invitae Variant Classification Sherloc (09022015). Collection method: clinical testing. Allele origin: germline.

Ambry Genetics
Classification: Likely benign for Familial thoracic aortic aneurysm and aortic dissection. Last evaluated: 2024-08-04. Review status: criteria provided, single submitter. Criteria: Ambry Variant Classification Scheme 2023. Collection method: clinical testing. Allele origin: germline.

All of Us Research Program, National Institutes of Health
Classification: Likely benign for Marfan syndrome. Last evaluated: 2023-11-30. Review status: criteria provided, single submitter. Criteria: ACMG Guidelines, 2015. Collection method: clinical testing. Allele origin: germline. Inheritance: Autosomal dominant inheritance. Observed: 2 variant alleles, 2 heterozygotes.
Comment: This study involves interpretation of variants in research participants for the purpose of population health screening. Participant phenotype was not available at the time of variant classification. Additional details can be found in publication PMID: 35346344, PMCID: PMC8962531

Laboratory for Molecular Medicine, Mass General Brigham Personalized Medicine
Classification: Likely benign. Last evaluated: 2009-03-13. Review status: criteria provided, single submitter. Criteria: LMM Criteria. Collection method: clinical testing. Allele origin: germline. Observed: 1 variant allele.